The following is an entry in ClinVar:

ClinVar aggregate classification (germline): Uncertain significance (1 of 4 stars; one submission).

Conditions:
Congenital contractures of the limbs and face, hypotonia, and developmental delay (CLIFAHDD). Identifiers: Orphanet 562528, MedGen C4225398, MONDO:0014556, OMIM 616266.

Allele frequency attached by ClinVar (database versions not stated): gnomAD exomes below 0.00001.
gnomAD v4.1: 1 of 1,604,270 alleles (0.000062%); highest among the groups gnomAD compares: Middle Eastern, 0.017%; no homozygotes.

Submission:

Baylor Genetics
Classification: Uncertain significance for Congenital contractures of the limbs and face, hypotonia, and developmental delay. Last evaluated: 2020-02-16. Review status: criteria provided, single submitter. Criteria: ACMG Guidelines, 2015. Collection method: clinical testing. Allele origin: unknown. Affected: yes.
Comment: This variant was determined to be of uncertain significance according to ACMG Guidelines, 2015 [PMID:25741868].

NM_052867.4(NALCN):c.3162+3A>G

Gene: NALCN (sodium leak channel, non-selective; minus strand). Cytogenetic location: 13q33.1.
Variant type: single nucleotide variant.
Coding change: c.3162+3A>G on transcript NM_052867.4 (MANE Select); 3 bases into the intron after coding-DNA position 3162, A replaced by G.
Molecular consequence: intron variant.
Genome position (GRCh38, 1-based): chr13:101,100,781, T>C on the plus strand (A>G on the coding strand, the complement: NALCN is on the minus strand). VCF-style: chr13-101100781-T-C. GRCh37 (hg19) VCF-style: chr13-101753132-T-C.
Other names: c.3075+3A>G (NM_001350751.2, NM_001350750.2); c.3162+3A>G (NM_001350749.2); c.3249+3A>G (NM_001350748.2).
Identifiers: ClinVar variation 1029045 (VCV001029045.1), dbSNP rs2034767716, ClinGen allele CA2114396964.